The following is an entry in ClinVar:

ClinVar aggregate classification (germline): Uncertain significance (1 of 4 stars; one submission).

Conditions:
Left ventricular noncompaction 8 (LVNC8). Identifiers: Orphanet 154, Orphanet 54260, MedGen C3809288, MONDO:0014152, OMIM 615373.

Submission:

Labcorp Genetics (formerly Invitae), Labcorp
Classification: Uncertain significance for Left ventricular noncompaction 8. Last evaluated: 2025-01-31. Review status: criteria provided, single submitter. Criteria: Invitae Variant Classification Sherloc (09022015). Collection method: clinical testing. Allele origin: germline.
Comment: This sequence change creates a premature translational stop signal (p.Lys250*) in the PRDM16 gene. It is expected to result in an absent or disrupted protein product. However, the current clinical and genetic evidence is not sufficient to establish whether loss-of-function variants in PRDM16 cause disease. This variant is not present in population databases (gnomAD no frequency). This variant has not been reported in the literature in individuals affected with PRDM16-related conditions. In summary, the available evidence is currently insufficient to determine the role of this variant in disease. Therefore, it has been classified as a Variant of Uncertain Significance.

NM_022114.4(PRDM16):c.748A>T (p.Lys250Ter)

Gene: PRDM16 (PR/SET domain 16; plus strand). Cytogenetic location: 1p36.32.
Variant type: single nucleotide variant.
Coding change: c.748A>T on transcript NM_022114.4 (MANE Select); coding-DNA position 748, A replaced by T.
Protein change: p.Lys250Ter; replaces lysine 250 with a stop codon.
Molecular consequence: nonsense.
Genome position (GRCh38, 1-based): chr1:3,402,862, A>T. VCF-style: chr1-3402862-A-T. GRCh37 (hg19) VCF-style: chr1-3319426-A-T.
Other names: c.748A>T, p.Lys250Ter (NM_199454.3); short protein forms K250*.
Identifiers: ClinVar variation 3729640 (VCV003729640.2).
Genomic context (GRCh38, chr1:3,402,862, plus strand): 5'-TTCCGCTGTGACGAGTGTGACGAACTCTTCCAGTCCAAGCTGGACCTGCGGCGCCATAAG[A>T]AGTACACGTGTGGCTCAGTGGGGGCTGCGCTCTACGAGGGCCTGGCTGAGGAGCTCAAGC-3'